The following is an entry in ClinVar:

ClinVar aggregate classification (germline): Uncertain significance (1 of 4 stars; one submission).

Submission:

Labcorp Genetics (formerly Invitae), Labcorp
Classification: Uncertain significance. Last evaluated: 2023-03-26. Review status: criteria provided, single submitter. Criteria: Invitae Variant Classification Sherloc (09022015). Collection method: clinical testing. Allele origin: germline.
Comment: In summary, the available evidence is currently insufficient to determine the role of this variant in disease. Therefore, it has been classified as a Variant of Uncertain Significance. Advanced modeling of protein sequence and biophysical properties (such as structural, functional, and spatial information, amino acid conservation, physicochemical variation, residue mobility, and thermodynamic stability) performed at Invitae indicates that this missense variant is expected to disrupt C3 protein function. This variant has not been reported in the literature in individuals affected with C3-related conditions. This variant is not present in population databases (gnomAD no frequency). This sequence change replaces cysteine, which is neutral and slightly polar, with arginine, which is basic and polar, at codon 1101 of the C3 protein (p.Cys1101Arg).

NM_000064.4(C3):c.3301T>C (p.Cys1101Arg)

Gene: C3 (complement C3; minus strand). Cytogenetic location: 19p13.3.
Variant type: single nucleotide variant.
Coding change: c.3301T>C on transcript NM_000064.4 (MANE Select); coding-DNA position 3301, T replaced by C.
Protein change: p.Cys1101Arg; replaces cysteine 1101 with arginine.
Molecular consequence: missense variant.
Genome position (GRCh38, 1-based): chr19:6,693,013, A>G on the plus strand (T>C on the coding strand, the complement: C3 is on the minus strand). VCF-style: chr19-6693013-A-G. GRCh37 (hg19) VCF-style: chr19-6693024-A-G.
Other names: short protein forms C1101R.
Identifiers: ClinVar variation 2849822 (VCV002849822.3), dbSNP rs2512242231, ClinGen allele CA403626057.
Genomic context (GRCh38, chr19:6,693,013, plus strand): 5'-CCTCCTGGAAGACCCCGTCGGGCTTCTGCTTCTCCAGGATCAGCCATTTAACAGCCCCGC[A>G]GAGGACTTGGGAGTCGATGGCGATGAGGTTGACAGCCAGAGAGAAGACCTTGACCACGTA-3'
Protein context (NP_000055.2, residues 1091-1111): NLIAIDSQVL[Cys1101Arg]GAVKWLILEK